The following is an entry in ClinVar:

ClinVar aggregate classification (germline): Benign. Review status: criteria provided, multiple submitters, no conflicts (2 of 4 stars). 10 submissions from 9 submitters: Benign (7). 3 of the submissions do not count toward it. Last evaluated 2026-02-01.

Conditions:
Emery-Dreifuss muscular dystrophy 4, autosomal dominant (EDMD4). Also called: EMERY-DREIFUSS MUSCULAR DYSTROPHY 4 WITH VARIABLE FEATURES. Identifiers: Orphanet 261, MedGen C2751807, MONDO:0013071, OMIM 612998.
Autosomal recessive ataxia, Beauce type. Also called: SYNE1-Related Autosomal Recessive Cerebellar Ataxia; ATAXIA, RECESSIVE, OF BEAUCE; Spinocerebellar ataxia, autosomal recessive 8; SYNE1 Deficiency. Identifiers: Orphanet 88644, MedGen C1853116, MONDO:0012549, OMIM 610743.

Allele frequency attached by ClinVar (database versions not stated): gnomAD 0.03400 and 0.03417; 1000 Genomes Project 30x 0.03467; gnomAD exomes 0.04133 and 0.03319; TOPMed 0.03409; ExAC 0.03422; ESP Exome Variant Server 0.03937; 1000 Genomes Project 0.03375.
gnomAD v4.1: 65,633 of 1,614,170 alleles (4.1%); highest among the groups gnomAD compares: Non-Finnish European, 4.4%; 1,480 homozygotes.

Submissions (10):

Labcorp Genetics (formerly Invitae), Labcorp
Classification: Benign for Emery-Dreifuss muscular dystrophy 4, autosomal dominant; Autosomal recessive ataxia, Beauce type. Last evaluated: 2026-02-01. Review status: criteria provided, single submitter. Criteria: Invitae Variant Classification Sherloc (09022015). Collection method: clinical testing. Allele origin: germline.

Athena Diagnostics
Classification: Benign. Last evaluated: 2018-12-14. Review status: criteria provided, single submitter. Criteria: Athena Diagnostics Criteria. Collection method: clinical testing. Allele origin: germline.

Mayo Clinic Laboratories, Mayo Clinic
Classification: Benign. Last evaluated: 2018-04-03. Review status: criteria provided, single submitter. Criteria: ACMG Guidelines, 2015. Collection method: clinical testing. Allele origin: germline. Observed: 87 variant alleles.

Illumina Laboratory Services, Illumina
Classification: Benign for Autosomal recessive ataxia, Beauce type. Last evaluated: 2018-01-12. Review status: criteria provided, single submitter. Criteria: ICSL Variant Classification Criteria 13 December 2019. Collection method: clinical testing. Allele origin: germline.
Comment: This variant was observed in the ICSL laboratory as part of a predisposition screen in an ostensibly healthy population. It had not been previously curated by ICSL or reported in the Human Gene Mutation Database (HGMD: prior to June 1st, 2018), and was therefore a candidate for classification through an automated scoring system. Utilizing variant allele frequency, disease prevalence and penetrance estimates, and inheritance mode, an automated score was calculated to assess if this variant is too frequent to cause the disease. Based on the score and internal cut-off values, a variant classified as benign is not then subjected to further curation. The score for this variant resulted in a classification of benign for this disease.

Illumina Laboratory Services, Illumina
Classification: Benign for Emery-Dreifuss muscular dystrophy 4, autosomal dominant. Last evaluated: 2018-01-12. Review status: criteria provided, single submitter. Criteria: ICSL Variant Classification Criteria 13 December 2019. Collection method: clinical testing. Allele origin: germline.
Comment: the same text as in the submission from Illumina Laboratory Services, Illumina above.

GeneDx
Classification: Benign. Last evaluated: 2016-02-29. Review status: criteria provided, single submitter. Criteria: GeneDx Variant Classification (06012015). Collection method: clinical testing. Allele origin: germline. Affected: yes.
Comment: This variant is considered likely benign or benign based on one or more of the following criteria: it is a conservative change, it occurs at a poorly conserved position in the protein, it is predicted to be benign by multiple in silico algorithms, and/or has population frequency not consistent with disease.

PreventionGenetics, part of Exact Sciences
Classification: Benign. Review status: criteria provided, single submitter. Criteria: ACMG Guidelines, 2015. Collection method: clinical testing. Allele origin: germline.

Clinical Genetics DNA and cytogenetics Diagnostics Lab, Erasmus MC, Erasmus Medical Center
Classification: Benign. Review status: no assertion criteria provided. Collection method: clinical testing. Allele origin: germline. Affected: yes. Study: VKGL Data-share Consensus. Not counted in ClinVar's aggregate classification.

Clinical Genetics, Academic Medical Center
Classification: Benign. Review status: no assertion criteria provided. Collection method: clinical testing. Allele origin: germline. Affected: yes. Study: VKGL Data-share Consensus. Not counted in ClinVar's aggregate classification.

Genetic Services Laboratory, University of Chicago
Classification: Likely benign for AllHighlyPenetrant. Review status: no assertion criteria provided. Collection method: clinical testing. Allele origin: germline. Inheritance: Autosomal dominant inheritance. Not counted in ClinVar's aggregate classification.
Comment: Likely benign based on allele frequency in 1000 Genomes Project or ESP global frequency and its presence in a patient with a rare or unrelated disease phenotype. NOT Sanger confirmed.

NM_182961.4(SYNE1):c.14917C>T (p.Leu4973=)

Gene: SYNE1 (spectrin repeat containing nuclear envelope protein 1; minus strand). Cytogenetic location: 6q25.2.
Variant type: single nucleotide variant.
Coding change: c.14917C>T on transcript NM_182961.4 (MANE Select); coding-DNA position 14917, C replaced by T.
Protein change: p.Leu4973=; no amino-acid change (leucine 4973 retained).
Molecular consequence: synonymous variant.
Genome position (GRCh38, 1-based): chr6:152,329,768, G>A on the plus strand (C>T on the coding strand, the complement: SYNE1 is on the minus strand). VCF-style: chr6-152329768-G-A. GRCh37 (hg19) VCF-style: chr6-152650903-G-A.
Other names: p.Leu4902=; c.14704C>T, p.Leu4902= (NM_033071.5).
Identifiers: ClinVar variation 130407 (VCV000130407.24), dbSNP rs35085679, ClinGen allele CA155370.
Genomic context (GRCh38, chr6:152,329,768, plus strand): 5'-AGTGAAGTCCTATTATACCCACCTGTCTGGTGCGTAAGGCTTCCTGGATGTCTCCATCCA[G>A]CTCTGAGAGCTCAGCGAGGCTGTGTTCTAAATCCGCAGAAATCAGCTCCTTGGCCTTTGT-3'
Protein context (NP_892006.3, residues 4963-4983): LEHSLAELSE[Leu4973=]DGDIQEALRT